The following is an entry in ClinVar:

NM_000051.4(ATM):c.913T>G (p.Ser305Ala)

Gene: ATM (ATM serine/threonine kinase; plus strand). Cytogenetic location: 11q22.3.
Variant type: single nucleotide variant.
Coding change: c.913T>G on transcript NM_000051.4 (MANE Select); coding-DNA position 913, T replaced by G.
Protein change: p.Ser305Ala; replaces serine 305 with alanine.
Molecular consequence: missense variant.
Genome position (GRCh38, 1-based): chr11:108,246,975, T>G. VCF-style: chr11-108246975-T-G. GRCh37 (hg19) VCF-style: chr11-108117702-T-G.
Other names: c.913T>G, p.Ser305Ala (NM_001351834.2); short protein forms S305A.
Identifiers: ClinVar variation 3655104 (VCV003655104.2).

ClinVar aggregate classification (germline): Uncertain significance (1 of 4 stars; one submission).

Conditions:
Ataxia-telangiectasia syndrome (AT). Also called: LOUIS-BAR SYNDROME; Cerebello-oculocutaneous telangiectasia; Immunodeficiency with ataxia telangiectasia; ATAXIA-TELANGIECTASIA, COMPLEMENTATION GROUP A; ATAXIA-TELANGIECTASIA, FRESNO VARIANT; Ataxia-telangiectasia, complementation group D. Identifiers: Orphanet 100, MedGen C0004135, MONDO:0008840, OMIM 208900.

Submission:

Labcorp Genetics (formerly Invitae), Labcorp
Classification: Uncertain significance for Ataxia-telangiectasia syndrome. Last evaluated: 2024-05-31. Review status: criteria provided, single submitter. Criteria: Invitae Variant Classification Sherloc (09022015). Collection method: clinical testing. Allele origin: germline.
Comment: This sequence change replaces serine, which is neutral and polar, with alanine, which is neutral and non-polar, at codon 305 of the ATM protein (p.Ser305Ala). This variant is not present in population databases (gnomAD no frequency). This variant has not been reported in the literature in individuals affected with ATM-related conditions. An algorithm developed to predict the effect of missense changes on protein structure and function (PolyPhen-2) suggests that this variant is likely to be tolerated. In summary, the available evidence is currently insufficient to determine the role of this variant in disease. Therefore, it has been classified as a Variant of Uncertain Significance.